The following is an entry in ClinVar:

NM_000143.4(FH):c.670G>A (p.Glu224Lys)

Gene: FH (fumarate hydratase; minus strand). Cytogenetic location: 1q43.
Variant type: single nucleotide variant.
Coding change: c.670G>A on transcript NM_000143.4 (MANE Select); coding-DNA position 670, G replaced by A.
Protein change: p.Glu224Lys; replaces glutamic acid 224 with lysine.
Molecular consequence: missense variant.
Genome position (GRCh38, 1-based): chr1:241,508,671, C>T on the plus strand (G>A on the coding strand, the complement: FH is on the minus strand). VCF-style: chr1-241508671-C-T. GRCh37 (hg19) VCF-style: chr1-241671971-C-T.
Other names: short protein forms E224K.
Identifiers: ClinVar variation 405932 (VCV000405932.10), dbSNP rs1060500905, ClinGen allele CA16610057.

ClinVar aggregate classification (germline): Conflicting classifications of pathogenicity. Review status: criteria provided, conflicting classifications (1 of 4 stars). 2 submissions from 2 submitters: Uncertain significance (1); Likely benign (1). Last evaluated 2026-07-06.

Conditions:
Hereditary cancer-predisposing syndrome. Also called: Neoplastic Syndromes, Hereditary; Hereditary Cancer Syndrome; Tumor predisposition; Hereditary neoplastic syndrome. Identifiers: Orphanet 140162, MedGen C0027672, MeSH D009386, MONDO:0015356.

Submissions (2):

Ambry Genetics
Classification: Uncertain significance for Hereditary cancer-predisposing syndrome. Last evaluated: 2026-07-06. Review status: criteria provided, single submitter. Criteria: Ambry Variant Classification Scheme 2023. Collection method: clinical testing. Allele origin: germline.
Comment: The p.E224K variant (also known as c.670G>A), located in coding exon 5 of the FH gene, results from a G to A substitution at nucleotide position 670. The glutamic acid at codon 224 is replaced by lysine, an amino acid with similar properties. This amino acid position is conserved. In addition, the in silico prediction for this alteration is inconclusive. Based on the available evidence, the clinical significance of this variant remains unclear.

Labcorp Genetics (formerly Invitae), Labcorp
Classification: Likely benign. Last evaluated: 2022-08-09. Review status: criteria provided, single submitter. Criteria: Invitae Variant Classification Sherloc (09022015). Collection method: clinical testing. Allele origin: germline.